The following is an entry in ClinVar:

ClinVar aggregate classification (germline): Uncertain significance (1 of 4 stars; one submission).

Conditions:
Alstrom syndrome (ALMS). Identifiers: Orphanet 64, MedGen C0268425, MONDO:0008763, OMIM 203800.

Allele frequency attached by ClinVar (database versions not stated): gnomAD exomes below 0.00001; TOPMed below 0.00001.
gnomAD v4.1: 4 of 1,614,130 alleles (0.00025%); highest among the groups gnomAD compares: South Asian, 0.0033%; no homozygotes.

Submission:

Labcorp Genetics (formerly Invitae), Labcorp
Classification: Uncertain significance for Alstrom syndrome. Last evaluated: 2022-02-12. Review status: criteria provided, single submitter. Criteria: Invitae Variant Classification Sherloc (09022015). Collection method: clinical testing. Allele origin: germline.
Comment: This sequence change replaces proline, which is neutral and non-polar, with leucine, which is neutral and non-polar, at codon 1081 of the ALMS1 protein (p.Pro1081Leu). This variant is not present in population databases (gnomAD no frequency). This variant has not been reported in the literature in individuals affected with ALMS1-related conditions. Experimental studies and prediction algorithms are not available or were not evaluated, and the functional significance of this variant is currently unknown. In summary, the available evidence is currently insufficient to determine the role of this variant in disease. Therefore, it has been classified as a Variant of Uncertain Significance.

NM_001378454.1(ALMS1):c.3239C>T (p.Pro1080Leu)

Gene: ALMS1 (ALMS1 centrosome and basal body associated protein; plus strand). Cytogenetic location: 2p13.1.
Variant type: single nucleotide variant.
Coding change: c.3239C>T on transcript NM_001378454.1 (MANE Select); coding-DNA position 3239, C replaced by T.
Protein change: p.Pro1080Leu; replaces proline 1080 with leucine.
Molecular consequence: missense variant.
Genome position (GRCh38, 1-based): chr2:73,449,766, C>T. VCF-style: chr2-73449766-C-T. GRCh37 (hg19) VCF-style: chr2-73676893-C-T.
Other names: c.3242C>T, p.Pro1081Leu (NM_015120.4); short protein forms P1080L, P1081L.
Identifiers: ClinVar variation 1373621 (VCV001373621.3), dbSNP rs1671888366, ClinGen allele CA347274454.